The following is an entry in ClinVar:

ClinVar aggregate classification (germline): Likely benign. Review status: criteria provided, multiple submitters, no conflicts (2 of 4 stars). 3 submissions from 3 submitters: Likely benign (3). Last evaluated 2025-12-03.

Conditions:
Osteogenesis imperfecta type 8 (OI8). Identifiers: MedGen C1970458, MONDO:0012581, OMIM 610915.

Allele frequency attached by ClinVar (database versions not stated): ExAC 0.00004; gnomAD exomes 0.00004 and 0.00008; gnomAD 0.00021 and 0.00024; ESP Exome Variant Server 0.00023; TOPMed 0.00026.

Submissions (3):

Labcorp Genetics (formerly Invitae), Labcorp
Classification: Likely benign for Osteogenesis imperfecta type 8. Last evaluated: 2025-12-03. Review status: criteria provided, single submitter. Criteria: Invitae Variant Classification Sherloc (09022015). Collection method: clinical testing. Allele origin: germline.

Genome-Nilou Lab
Classification: Likely benign for Osteogenesis imperfecta type 8. Last evaluated: 2023-04-11. Review status: criteria provided, single submitter. Criteria: ACMG Guidelines, 2015. Collection method: clinical testing. Allele origin: germline. Affected: no.

GeneDx
Classification: Likely benign. Last evaluated: 2018-02-09. Review status: criteria provided, single submitter. Criteria: GeneDx Variant Classification (06012015). Collection method: clinical testing. Allele origin: germline. Affected: yes.
Comment: This variant is considered likely benign or benign based on one or more of the following criteria: it is a conservative change, it occurs at a poorly conserved position in the protein, it is predicted to be benign by multiple in silico algorithms, and/or has population frequency not consistent with disease.

NM_022356.4(P3H1):c.1761C>T (p.His587=)

Gene: P3H1 (prolyl 3-hydroxylase 1; minus strand). Cytogenetic location: 1p34.2.
Variant type: single nucleotide variant.
Coding change: c.1761C>T on transcript NM_022356.4 (MANE Select); coding-DNA position 1761, C replaced by T.
Protein change: p.His587=; no amino-acid change (histidine 587 retained).
Molecular consequence: synonymous variant.
Genome position (GRCh38, 1-based): chr1:42,748,277, G>A on the plus strand (C>T on the coding strand, the complement: P3H1 is on the minus strand). VCF-style: chr1-42748277-G-A. GRCh37 (hg19) VCF-style: chr1-43213948-G-A.
Other names: c.1761C>T, p.His587= (NM_001146289.2, NM_001243246.2).
Identifiers: ClinVar variation 468973 (VCV000468973.12), dbSNP rs148338728, ClinGen allele CA801703.